The following is an entry in ClinVar:

ClinVar aggregate classification (germline): Uncertain significance. Review status: criteria provided, multiple submitters, no conflicts (2 of 4 stars). 2 submissions from 2 submitters: Uncertain significance (2). Last evaluated 2024-01-11.

Conditions:
Wilson disease (WND). Also called: Wilson's disease. Identifiers: Orphanet 905, MedGen C0019202, MONDO:0010200, OMIM 277900. Disease mechanism: loss of function.

Allele frequency attached by ClinVar (database versions not stated): gnomAD exomes 0.00001; TOPMed 0.00001; ExAC 0.00002.
gnomAD v4.1: 7 of 1,613,988 alleles (0.00043%); highest among the groups gnomAD compares: Admixed American, 0.0017%; no homozygotes.

Submissions (2):

All of Us Research Program, National Institutes of Health
Classification: Uncertain significance for Wilson disease. Last evaluated: 2024-01-11. Review status: criteria provided, single submitter. Criteria: ACMG Guidelines, 2015. Collection method: clinical testing. Allele origin: germline. Inheritance: Autosomal recessive inheritance. Observed: 2 variant alleles, 2 heterozygotes.
Comment: This missense variant replaces glutamic acid with glutamine at codon 277 of the ATP7B protein. Computational prediction suggests that this variant may not impact protein structure and function (internally defined REVEL score threshold <= 0.5, PMID: 27666373). To our knowledge, functional studies have not been reported for this variant. This variant has not been reported in individuals affected with ATP7B-related disorders in the literature. This variant has been identified in 3/247872 chromosomes in the general population by the Genome Aggregation Database (gnomAD). The available evidence is insufficient to determine the role of this variant in disease conclusively. Therefore, this variant is classified as a Variant of Uncertain Significance.

This study involves interpretation of variants in research participants for the purpose of population health screening. Participant phenotype was not available at the time of variant classification. Additional details can be found in publication PMID: 35346344, PMCID: PMC8962531

Labcorp Genetics (formerly Invitae), Labcorp
Classification: Uncertain significance for Wilson disease. Last evaluated: 2021-12-19. Review status: criteria provided, single submitter. Criteria: Invitae Variant Classification Sherloc (09022015). Collection method: clinical testing. Allele origin: germline.
Comment: This sequence change replaces glutamic acid, which is acidic and polar, with glutamine, which is neutral and polar, at codon 277 of the ATP7B protein (p.Glu277Gln). This variant is present in population databases (rs777846245, gnomAD 0.003%). This variant has not been reported in the literature in individuals affected with ATP7B-related conditions. Advanced modeling of protein sequence and biophysical properties (such as structural, functional, and spatial information, amino acid conservation, physicochemical variation, residue mobility, and thermodynamic stability) performed at Invitae indicates that this missense variant is not expected to disrupt ATP7B protein function. In summary, the available evidence is currently insufficient to determine the role of this variant in disease. Therefore, it has been classified as a Variant of Uncertain Significance.

NM_000053.4(ATP7B):c.829G>C (p.Glu277Gln)

Gene: ATP7B (ATPase copper transporting beta; minus strand). Cytogenetic location: 13q14.3.
Variant type: single nucleotide variant.
Coding change: c.829G>C on transcript NM_000053.4 (MANE Select); coding-DNA position 829, G replaced by C.
Protein change: p.Glu277Gln; replaces glutamic acid 277 with glutamine.
Molecular consequence: missense variant. On other transcripts: intron variant (1).
Genome position (GRCh38, 1-based): chr13:51,974,391, C>G on the plus strand (G>C on the coding strand, the complement: ATP7B is on the minus strand). VCF-style: chr13-51974391-C-G. GRCh37 (hg19) VCF-style: chr13-52548527-C-G.
Other names: c.829G>C, p.Glu277Gln (NM_001005918.3, NM_001330578.2, NM_001330579.2); c.802+27G>C (NM_001243182.2); short protein forms E277Q.
Identifiers: ClinVar variation 1348036 (VCV001348036.4), dbSNP rs777846245, ClinGen allele CA6989492.
Genomic context (GRCh38, chr13:51,974,391, plus strand): 5'-CAGTTTTGTTCTCCAAGGACACTTGAATACTTTGAACCCCTAGGAGCTGGCCAATATTTT[C>G]TTCAATATTCAAGACGCAAGACTTACAATGCATTCCATCTATTCTCAGTTGGAGGGTGAC-3'
Protein context (NP_000044.2, residues 267-287): HCKSCVLNIE[Glu277Gln]NIGQLLGVQS